The following is an entry in ClinVar:

NM_144687.4(NLRP12):c.752A>G (p.Asn251Ser)

Gene: NLRP12 (NLR family pyrin domain containing 12; minus strand). Cytogenetic location: 19q13.42.
Variant type: single nucleotide variant.
Coding change: c.752A>G on transcript NM_144687.4 (MANE Select); coding-DNA position 752, A replaced by G.
Protein change: p.Asn251Ser; replaces asparagine 251 with serine.
Molecular consequence: missense variant.
Genome position (GRCh38, 1-based): chr19:53,810,907, T>C on the plus strand (A>G on the coding strand, the complement: NLRP12 is on the minus strand). VCF-style: chr19-53810907-T-C. GRCh37 (hg19) VCF-style: chr19-54314161-T-C.
Other names: c.752A>G, p.Asn251Ser (NM_001277126.2, NM_001277129.1); short protein forms N251S.
Identifiers: ClinVar variation 574931 (VCV000574931.46), dbSNP rs200679354, ClinGen allele CA9639618.

ClinVar aggregate classification (germline): Conflicting classifications of pathogenicity. Review status: criteria provided, conflicting classifications (1 of 4 stars). 3 submissions from 3 submitters: Uncertain significance (2); Likely benign (1). Last evaluated 2025-06-11.

Conditions:
Autoinflammatory syndrome. Identifiers: Orphanet 93665, MedGen C3890737, MONDO:0019751.
Familial cold autoinflammatory syndrome 2 (FCAS2). Identifiers: Orphanet 247868, MedGen C2673198, MONDO:0012724, OMIM 611762.

Allele frequency attached by ClinVar (database versions not stated): ExAC 0.00003; gnomAD exomes 0.00004 and 0.00007; TOPMed 0.00004; gnomAD 0.00005; 1000 Genomes Project 30x 0.00016; 1000 Genomes Project 0.00020.
gnomAD v4.1: 123 of 1,614,070 alleles (0.0076%); highest among the groups gnomAD compares: Middle Eastern, 0.049%; no homozygotes.

Submissions (3):

Labcorp Genetics (formerly Invitae), Labcorp
Classification: Uncertain significance for Familial cold autoinflammatory syndrome 2. Last evaluated: 2025-06-11. Review status: criteria provided, single submitter. Criteria: Invitae Variant Classification Sherloc (09022015). Collection method: clinical testing. Allele origin: germline.
Comment: This sequence change replaces asparagine, which is neutral and polar, with serine, which is neutral and polar, at codon 251 of the NLRP12 protein (p.Asn251Ser). This variant is present in population databases (rs200679354, gnomAD 0.01%). This variant has not been reported in the literature in individuals affected with NLRP12-related conditions. ClinVar contains an entry for this variant (Variation ID: 574931). Invitae Evidence Modeling of protein sequence and biophysical properties (such as structural, functional, and spatial information, amino acid conservation, physicochemical variation, residue mobility, and thermodynamic stability) indicates that this missense variant is not expected to disrupt NLRP12 protein function with a negative predictive value of 80%. In summary, the available evidence is currently insufficient to determine the role of this variant in disease. Therefore, it has been classified as a Variant of Uncertain Significance.

CeGaT Center for Human Genetics Tuebingen
Classification: Likely benign. Last evaluated: 2023-04-01. Review status: criteria provided, single submitter. Criteria: CeGaT Center For Human Genetics Tuebingen Variant Classification Criteria Version 2. Collection method: clinical testing. Allele origin: germline. Affected: yes. Observed: 2 variant alleles.
Comment: NLRP12: BP4

Genome Diagnostics Laboratory, The Hospital for Sick Children
Classification: Uncertain significance for Autoinflammatory syndrome. Last evaluated: 2021-11-19. Review status: criteria provided, single submitter. Criteria: ACMG Guidelines, 2015. Collection method: clinical testing. Allele origin: germline. Affected: yes.